The following is an entry in ClinVar:

NM_001077653.2(TBX20):c.829A>G (p.Ile277Val)

Gene: TBX20 (T-box transcription factor 20; minus strand). Cytogenetic location: 7p14.2.
Variant type: single nucleotide variant.
Coding change: c.829A>G on transcript NM_001077653.2 (MANE Select); coding-DNA position 829, A replaced by G.
Protein change: p.Ile277Val; replaces isoleucine 277 with valine.
Molecular consequence: missense variant.
Genome position (GRCh38, 1-based): chr7:35,231,565, T>C on the plus strand (A>G on the coding strand, the complement: TBX20 is on the minus strand). VCF-style: chr7-35231565-T-C. GRCh37 (hg19) VCF-style: chr7-35271177-T-C.
Other names: c.829A>G, p.Ile277Val (NM_001166220.1); short protein forms I277V.
Identifiers: ClinVar variation 1762788 (VCV001762788.3), dbSNP rs2546989842, ClinGen allele CA367263830.

ClinVar aggregate classification (germline): Uncertain significance (1 of 4 stars; one submission).

Conditions:
Cardiovascular phenotype. Identifiers: MedGen CN230736.

Allele frequency attached by ClinVar (database versions not stated): gnomAD exomes below 0.00001.
gnomAD v4.1: 1 of 1,612,736 alleles (0.000062%); highest among the groups gnomAD compares: Non-Finnish European, 0.000085%; no homozygotes.

Submission:

Ambry Genetics
Classification: Uncertain significance for Cardiovascular phenotype. Last evaluated: 2025-03-31. Review status: criteria provided, single submitter. Criteria: Ambry Variant Classification Scheme 2023. Collection method: clinical testing. Allele origin: germline.
Comment: The p.I277V variant (also known as c.829A>G), located in coding exon 6 of the TBX20 gene, results from an A to G substitution at nucleotide position 829. The isoleucine at codon 277 is replaced by valine, an amino acid with highly similar properties. This amino acid position is highly conserved in available vertebrate species. In addition, this alteration is predicted to be deleterious by in silico analysis. Since supporting evidence is limited at this time, the clinical significance of this alteration remains unclear.